The following is an entry in ClinVar:

ClinVar aggregate classification (germline): Likely benign (1 of 4 stars; one submission).

Allele frequency attached by ClinVar (database versions not stated): TOPMed below 0.00001; gnomAD exomes 0.00001; ExAC 0.00003.
gnomAD v4.1: 8 of 1,614,248 alleles (0.0005%); highest among the groups gnomAD compares: South Asian, 0.0044%; no homozygotes.

Submission:

CeGaT Center for Human Genetics Tuebingen
Classification: Likely benign. Last evaluated: 2023-06-01. Review status: criteria provided, single submitter. Criteria: CeGaT Center For Human Genetics Tuebingen Variant Classification Criteria Version 2. Collection method: clinical testing. Allele origin: germline. Affected: yes. Observed: 1 variant allele.
Comment: SPECC1L: BP4

NM_015330.6(SPECC1L):c.490G>A (p.Val164Ile)

Genes: SPECC1L (sperm antigen with calponin homology and coiled-coil domains 1 like; plus strand), SPECC1L-ADORA2A (SPECC1L-ADORA2A readthrough (NMD candidate); plus strand). Cytogenetic location: 22q11.23.
Variant type: single nucleotide variant.
Coding change: c.490G>A on transcript NM_015330.6 (MANE Select); coding-DNA position 490, G replaced by A.
Protein change: p.Val164Ile; replaces valine 164 with isoleucine.
Molecular consequence: missense variant. On other transcripts: non-coding transcript variant (1).
Genome position (GRCh38, 1-based): chr22:24,321,470, G>A. VCF-style: chr22-24321470-G-A. GRCh37 (hg19) VCF-style: chr22-24717438-G-A.
Other names: c.490G>A, p.Val164Ile (NM_001145468.4, NM_001254732.3); short protein forms V164I.
Identifiers: ClinVar variation 2652993 (VCV002652993.24), dbSNP rs200866362, ClinGen allele CA10151970.